The following is an entry in ClinVar:

NM_001037333.3(CYFIP2):c.2213C>T (p.Pro738Leu)

Gene: CYFIP2 (cytoplasmic FMR1 interacting protein 2; plus strand). Cytogenetic location: 5q33.3.
Variant type: single nucleotide variant.
Coding change: c.2213C>T on transcript NM_001037333.3 (MANE Select); coding-DNA position 2213, C replaced by T.
Protein change: p.Pro738Leu; replaces proline 738 with leucine.
Molecular consequence: missense variant.
Genome position (GRCh38, 1-based): chr5:157,330,798, C>T. VCF-style: chr5-157330798-C-T. GRCh37 (hg19) VCF-style: chr5-156757806-C-T.
Other names: c.2135C>T, p.Pro712Leu (NM_001291721.2); c.2288C>T, p.Pro763Leu (NM_001291722.2); c.2213C>T, p.Pro738Leu (NM_014376.4); short protein forms P738L, P763L, P712L.
Identifiers: ClinVar variation 1500446 (VCV001500446.6), dbSNP rs367713994, ClinGen allele CA130179960.

ClinVar aggregate classification (germline): Uncertain significance (1 of 4 stars; one submission).

Allele frequency attached by ClinVar (database versions not stated): gnomAD exomes 0.00001; TOPMed 0.00001; gnomAD 0.00002 and 0.00003; ESP Exome Variant Server 0.00008.
gnomAD v4.1: 10 of 1,613,826 alleles (0.00062%); highest among the groups gnomAD compares: African/African-American, 0.004%; no homozygotes.

Submission:

Labcorp Genetics (formerly Invitae), Labcorp
Classification: Uncertain significance. Last evaluated: 2021-07-29. Review status: criteria provided, single submitter. Criteria: Invitae Variant Classification Sherloc (09022015). Collection method: clinical testing. Allele origin: germline.
Comment: In summary, the available evidence is currently insufficient to determine the role of this variant in disease. Therefore, it has been classified as a Variant of Uncertain Significance. Algorithms developed to predict the effect of missense changes on protein structure and function are either unavailable or do not agree on the potential impact of this missense change (SIFT: "Tolerated"; PolyPhen-2: "Not Available"; Align-GVGD: "Class C0"). This variant has not been reported in the literature in individuals affected with CYFIP2-related conditions. This variant is not present in population databases (ExAC no frequency). This sequence change replaces proline with leucine at codon 738 of the CYFIP2 protein (p.Pro738Leu). The proline residue is highly conserved and there is a moderate physicochemical difference between proline and leucine.